The following is an entry in ClinVar:

ClinVar aggregate classification (germline): Likely benign (1 of 4 stars; one submission).

gnomAD v4.1: 4 of 399,886 alleles (0.001%); highest among the groups gnomAD compares: East Asian, 0.014%; no homozygotes.

Submission:

CeGaT Center for Human Genetics Tuebingen
Classification: Likely benign. Last evaluated: 2025-10-01. Review status: criteria provided, single submitter. Criteria: CeGaT Center For Human Genetics Tuebingen Variant Classification Criteria Version 2. Collection method: clinical testing. Allele origin: germline. Affected: yes. Observed: 1 variant allele.
Comment: EXOC3L2: BP4, BP7

NM_001382422.1(EXOC3L2):c.510G>A (p.Lys170=)

Gene: EXOC3L2 (exocyst complex component 3 like 2; minus strand). Cytogenetic location: 19q13.32.
Variant type: single nucleotide variant.
Coding change: c.510G>A on transcript NM_001382422.1 (MANE Select); coding-DNA position 510, G replaced by A.
Protein change: p.Lys170=; no amino-acid change (lysine 170 retained).
Molecular consequence: synonymous variant.
Genome position (GRCh38, 1-based): chr19:45,238,536, C>T on the plus strand (G>A on the coding strand, the complement: EXOC3L2 is on the minus strand). VCF-style: chr19-45238536-C-T. GRCh37 (hg19) VCF-style: chr19-45741794-C-T.
Identifiers: ClinVar variation 4534321 (VCV004534321.6).